The following is an entry in ClinVar:

ClinVar aggregate classification (germline): Uncertain significance. Review status: criteria provided, multiple submitters, no conflicts (2 of 4 stars). 2 submissions from 2 submitters: Uncertain significance (2). Last evaluated 2026-06-01.

Allele frequency attached by ClinVar (database versions not stated): ExAC 0.00001; gnomAD 0.00001; gnomAD exomes 0.00001; TOPMed 0.00002.
gnomAD v4.1: 21 of 1,613,098 alleles (0.0013%); highest among the groups gnomAD compares: Non-Finnish European, 0.0016%; no homozygotes.

Submissions (2):

CeGaT Center for Human Genetics Tuebingen
Classification: Uncertain significance. Last evaluated: 2026-06-01. Review status: criteria provided, single submitter. Criteria: CeGaT Center For Human Genetics Tuebingen Variant Classification Criteria Version 2. Collection method: clinical testing. Allele origin: germline. Affected: yes. Observed: 1 variant allele.
Comment: SKIC3: PM2, BP4

Labcorp Genetics (formerly Invitae), Labcorp
Classification: Uncertain significance. Last evaluated: 2022-08-19. Review status: criteria provided, single submitter. Criteria: Invitae Variant Classification Sherloc (09022015). Collection method: clinical testing. Allele origin: germline.
Comment: This sequence change replaces serine, which is neutral and polar, with phenylalanine, which is neutral and non-polar, at codon 213 of the TTC37 protein (p.Ser213Phe). This variant is present in population databases (rs750254409, gnomAD 0.003%). This variant has not been reported in the literature in individuals affected with TTC37-related conditions. Algorithms developed to predict the effect of missense changes on protein structure and function output the following: SIFT: "Tolerated"; PolyPhen-2: "Benign"; Align-GVGD: "Class C0". The phenylalanine amino acid residue is found in multiple mammalian species, which suggests that this missense change does not adversely affect protein function. In summary, the available evidence is currently insufficient to determine the role of this variant in disease. Therefore, it has been classified as a Variant of Uncertain Significance.

NM_014639.4(SKIC3):c.638C>T (p.Ser213Phe)

Gene: SKIC3 (SKI3 subunit of superkiller complex; minus strand). Cytogenetic location: 5q15.
Variant type: single nucleotide variant.
Coding change: c.638C>T on transcript NM_014639.4 (MANE Select); coding-DNA position 638, C replaced by T.
Protein change: p.Ser213Phe; replaces serine 213 with phenylalanine.
Molecular consequence: missense variant.
Genome position (GRCh38, 1-based): chr5:95,537,047, G>A on the plus strand (C>T on the coding strand, the complement: SKIC3 is on the minus strand). VCF-style: chr5-95537047-G-A. GRCh37 (hg19) VCF-style: chr5-94872751-G-A.
Other names: short protein forms S213F.
Identifiers: ClinVar variation 2192694 (VCV002192694.3), dbSNP rs750254409, ClinGen allele CA3347568.
Genomic context (GRCh38, chr5:95,537,047, plus strand): 5'-CTTTCCTAATTAGAAATACATACAAGTCACATTAGAGATTTAAAAAATCAACTTACTTTG[G>A]ATAAACTCTGAATGAAATGCCTATAAAGTACTTGGTGATCTTCACTAGGAATCTTATCTG-3'
Protein context (NP_055454.1, residues 203-223): VLYRHFIQSL[Ser213Phe]KFPHESARLK